The following is an entry in ClinVar:

NM_000037.4(ANK1):c.3395T>A (p.Val1132Asp)

Gene: ANK1 (ankyrin 1; minus strand). Cytogenetic location: 8p11.21.
Variant type: single nucleotide variant.
Coding change: c.3395T>A on transcript NM_000037.4 (MANE Select); coding-DNA position 3395, T replaced by A.
Protein change: p.Val1132Asp; replaces valine 1132 with aspartic acid.
Molecular consequence: missense variant.
Genome position (GRCh38, 1-based): chr8:41,694,035, A>T on the plus strand (T>A on the coding strand, the complement: ANK1 is on the minus strand). VCF-style: chr8-41694035-A-T. GRCh37 (hg19) VCF-style: chr8-41551553-A-T.
Other names: c.3518T>A, p.Val1173Asp (NM_001142446.2); c.3395T>A, p.Val1132Asp (NM_020475.3, NM_020476.3, NM_020477.3); short protein forms V1132D, V1173D.
Identifiers: ClinVar variation 2439064 (VCV002439064.6), dbSNP rs2486769429, ClinGen allele CA371059564.

ClinVar aggregate classification (germline): Uncertain significance. Review status: criteria provided, multiple submitters, no conflicts (2 of 4 stars). 2 submissions from 2 submitters: Uncertain significance (2). Last evaluated 2025-03-18.

Conditions:
Hereditary spherocytosis type 1. Also called: Spherocytosis type 1; ANK1-Related Spherocytosis. Identifiers: Orphanet 822, MedGen C2674218, MONDO:0008447, OMIM 182900.

Submissions (2):

Revvity Omics, Revvity
Classification: Uncertain significance for Hereditary spherocytosis type 1. Last evaluated: 2025-03-18. Review status: criteria provided, single submitter. Criteria: ACMG Guidelines, 2015. Collection method: clinical testing. Allele origin: germline.

Labcorp Genetics (formerly Invitae), Labcorp
Classification: Uncertain significance. Last evaluated: 2023-02-21. Review status: criteria provided, single submitter. Criteria: Invitae Variant Classification Sherloc (09022015). Collection method: clinical testing. Allele origin: germline.
Comment: This variant is not present in population databases (gnomAD no frequency). This variant has not been reported in the literature in individuals affected with ANK1-related conditions. Advanced modeling of protein sequence and biophysical properties (such as structural, functional, and spatial information, amino acid conservation, physicochemical variation, residue mobility, and thermodynamic stability) performed at Invitae indicates that this missense variant is expected to disrupt ANK1 protein function. In summary, the available evidence is currently insufficient to determine the role of this variant in disease. Therefore, it has been classified as a Variant of Uncertain Significance. This sequence change replaces valine, which is neutral and non-polar, with aspartic acid, which is acidic and polar, at codon 1132 of the ANK1 protein (p.Val1132Asp).